The following is an entry in ClinVar:

NM_003978.5(PSTPIP1):c.1172_1175dup (p.Glu393fs)

Gene: PSTPIP1 (proline-serine-threonine phosphatase interacting protein 1; plus strand). Cytogenetic location: 15q24.3.
Variant type: Duplication.
Coding change: c.1172_1175dup on transcript NM_003978.5 (MANE Select); coding-DNA positions 1172 to 1175, 4 bases duplicated (AAGG; older notation c.1172_1175dupAAGG).
Protein change: p.Glu393fs; shifts the reading frame from glutamic acid 393.
Molecular consequence: frameshift variant. On other transcripts: non-coding transcript variant (1).
Genome position (GRCh38, 1-based): chr15:77,037,097-77,037,100, AAGG duplicated; duplicating any 4 consecutive bases within chr15:77,037,095-77,037,100 gives the same sequence; the c. name uses the placement nearest the transcript's 3' end. VCF-style (leftmost placement, unchanged base first): chr15-77037094-T-TGGAA. GRCh37 (hg19) VCF-style: chr15-77329435-T-TGGAA.
Other names: c.1115_1118dup, p.Glu374fs (NM_001321135.2); c.1145_1148dup, p.Glu384fs (NM_001321136.2); c.1367_1370dup, p.Glu458fs (NM_001321137.1); c.1163_1166dup, p.Glu390Argfs (NM_001411086.1); short protein forms E384fs, E393fs, E374fs, E458fs.
Identifiers: ClinVar variation 2053997 (VCV002053997.4), dbSNP rs2542902130, ClinGen allele CA2580090027.

ClinVar aggregate classification (germline): Uncertain significance (1 of 4 stars; one submission).

Conditions:
Pyogenic arthritis-pyoderma gangrenosum-acne syndrome (PAPA). Also called: FAMILIAL RECURRENT ARTHRITIS; PAPA SYNDROME. Identifiers: Orphanet 69126, MedGen C1858361, MONDO:0011462, OMIM 604416.

Submission:

Labcorp Genetics (formerly Invitae), Labcorp
Classification: Uncertain significance for Pyogenic arthritis-pyoderma gangrenosum-acne syndrome. Last evaluated: 2022-07-26. Review status: criteria provided, single submitter. Criteria: Invitae Variant Classification Sherloc (09022015). Collection method: clinical testing. Allele origin: germline.
Comment: In summary, the available evidence is currently insufficient to determine the role of this variant in disease. Therefore, it has been classified as a Variant of Uncertain Significance. Experimental studies and prediction algorithms are not available or were not evaluated, and the functional significance of this variant is currently unknown. This variant has not been reported in the literature in individuals affected with PSTPIP1-related conditions. This variant is not present in population databases (gnomAD no frequency). This sequence change results in a frameshift in the PSTPIP1 gene (p.Glu393Argfs*72). While this is not anticipated to result in nonsense mediated decay, it is expected to disrupt the last 24 amino acid(s) of the PSTPIP1 protein and extend the protein by 47 additional amino acid residues.